The following is an entry in ClinVar:

ClinVar aggregate classification (germline): Uncertain significance (1 of 4 stars; one submission).

Conditions:
Retinitis pigmentosa 12 (RP12). Also called: RP WITH OR WITHOUT PPRPE; RP WITH OR WITHOUT PRESERVED PARAARTERIOLE RETINAL PIGMENT EPITHELIUM; RETINITIS PIGMENTOSA WITH OR WITHOUT PARAARTERIOLAR PRESERVATION OF RETINAL PIGMENT EPITHELIUM. Identifiers: Orphanet 791, MedGen C1838647, MONDO:0010818, OMIM 600105.
Leber congenital amaurosis 8 (LCA8). Identifiers: Orphanet 65, MedGen C3151202, MONDO:0013453, OMIM 613835.

Allele frequency attached by ClinVar (database versions not stated): gnomAD exomes below 0.00001; gnomAD 0.00001.
gnomAD v4.1: 2 of 1,614,156 alleles (0.00012%); highest among the groups gnomAD compares: East Asian, 0.0045%; no homozygotes.

Submission:

Labcorp Genetics (formerly Invitae), Labcorp
Classification: Uncertain significance for Leber congenital amaurosis 8; Retinitis pigmentosa 12. Last evaluated: 2022-06-04. Review status: criteria provided, single submitter. Criteria: Invitae Variant Classification Sherloc (09022015). Collection method: clinical testing. Allele origin: germline.
Comment: This sequence change replaces proline, which is neutral and non-polar, with serine, which is neutral and polar, at codon 100 of the CRB1 protein (p.Pro100Ser). This variant is present in population databases (no rsID available, gnomAD 0.006%). This variant has not been reported in the literature in individuals affected with CRB1-related conditions. ClinVar contains an entry for this variant (Variation ID: 1354945). Advanced modeling of protein sequence and biophysical properties (such as structural, functional, and spatial information, amino acid conservation, physicochemical variation, residue mobility, and thermodynamic stability) performed at Invitae indicates that this missense variant is not expected to disrupt CRB1 protein function. In summary, the available evidence is currently insufficient to determine the role of this variant in disease. Therefore, it has been classified as a Variant of Uncertain Significance.

NM_201253.3(CRB1):c.298C>T (p.Pro100Ser)

Gene: CRB1 (crumbs cell polarity complex component 1; plus strand). Cytogenetic location: 1q31.3.
Variant type: single nucleotide variant.
Coding change: c.298C>T on transcript NM_201253.3 (MANE Select); coding-DNA position 298, C replaced by T.
Protein change: p.Pro100Ser; replaces proline 100 with serine.
Molecular consequence: missense variant. On other transcripts: non-coding transcript variant (2).
Genome position (GRCh38, 1-based): chr1:197,328,649, C>T. VCF-style: chr1-197328649-C-T. GRCh37 (hg19) VCF-style: chr1-197297779-C-T.
Other names: c.298C>T, p.Pro100Ser (NM_001193640.2, NM_001257966.2); c.91C>T, p.Pro31Ser (NM_001257965.2); short protein forms P100S, P31S.
Identifiers: ClinVar variation 1354945 (VCV001354945.3), dbSNP rs1404279052, ClinGen allele CA344085471.
Genomic context (GRCh38, chr1:197,328,649, plus strand): 5'-CAAGGAAGTGCCACTTGTGTGAACACCCCAGGAGAAAGGAGCTTTCTGTGCAAATGTCCT[C>T]CTGGGTACAGTGGGACAATCTGTGAAACTACCATTGGTTCCTGTGGCAAGAACTCCTGCC-3'
Protein context (NP_957705.1, residues 90-110): GERSFLCKCP[Pro100Ser]GYSGTICETT